The following is an entry in ClinVar:

ClinVar aggregate classification (germline): Benign/Likely benign. Review status: criteria provided, multiple submitters, no conflicts (2 of 4 stars). 15 submissions from 13 submitters: Benign (9); Likely benign (3). 3 of the submissions do not count toward it. Last evaluated 2026-08-01.

Conditions:
Cryopyrin associated periodic syndrome (CAPS). Identifiers: Orphanet 208650, MedGen C2316212, MONDO:0016168.
Autoinflammatory syndrome. Identifiers: Orphanet 93665, MedGen C3890737, MONDO:0019751.
Chronic infantile neurological, cutaneous and articular syndrome (CINCA). Also called: CINCA syndrome; CRYOPYRIN-ASSOCIATED PERIODIC SYNDROME 3; Prieur Griscelli syndrome; CHRONIC NEUROLOGIC CUTANEOUS AND ARTICULAR SYNDROME. Identifiers: Orphanet 1451, MedGen C0409818, MONDO:0011776, OMIM 607115.
Familial amyloid nephropathy with urticaria AND deafness (MWS). Also called: CRYOPYRIN-ASSOCIATED PERIODIC SYNDROME 2; MUCKLE-WELLS SYNDROME; Urticaria, deafness and amyloidosis; UDA SYNDROME; URTICARIA-DEAFNESS-AMYLOIDOSIS SYNDROME. Identifiers: Orphanet 575, MedGen C0268390, MONDO:0008633, OMIM 191900.
Familial cold autoinflammatory syndrome 1 (FCAS1). Also called: CRYOPYRIN-ASSOCIATED PERIODIC SYNDROME 1; Familial cold inflammatory syndrome 1. Identifiers: Orphanet 47045, MedGen C4551895, MONDO:0007349, OMIM 120100.

Allele frequency attached by ClinVar (database versions not stated): 1000 Genomes Project 30x 0.00047; 1000 Genomes Project 0.00060; TOPMed 0.00094; ESP Exome Variant Server 0.00131; gnomAD 0.00334 and 0.00350.
gnomAD v4.1: 3,235 of 1,613,722 alleles (0.2%); highest among the groups gnomAD compares: Non-Finnish European, 0.13%; 27 homozygotes.

Submissions (15):

CeGaT Center for Human Genetics Tuebingen
Classification: Likely benign. Last evaluated: 2026-08-01. Review status: criteria provided, single submitter. Criteria: CeGaT Center For Human Genetics Tuebingen Variant Classification Criteria Version 2. Collection method: clinical testing. Allele origin: germline. Affected: yes. Observed: 18 variant alleles.
Comment: NLRP3: BP4, BS1

Labcorp Genetics (formerly Invitae), Labcorp
Classification: Benign for Cryopyrin associated periodic syndrome. Last evaluated: 2026-02-03. Review status: criteria provided, single submitter. Criteria: Invitae Variant Classification Sherloc (09022015). Collection method: clinical testing. Allele origin: germline.

Women's Health and Genetics/Laboratory Corporation of America, LabCorp
Classification: Benign. Last evaluated: 2026-01-23. Review status: criteria provided, single submitter. Criteria: LabCorp Variant Classification Summary - May 2015. Collection method: clinical testing. Allele origin: germline.

ARUP Laboratories, Molecular Genetics and Genomics, ARUP Laboratories
Classification: Benign. Last evaluated: 2025-05-19. Review status: criteria provided, single submitter. Criteria: ARUP Molecular Germline Variant Investigation Process 2024. Collection method: clinical testing. Allele origin: germline.

Blueprint Genetics
Classification: Likely benign. Last evaluated: 2024-11-23. Review status: criteria provided, single submitter. Criteria: ACMG Guidelines, 2015. Collection method: clinical testing. Allele origin: germline.

Genome Diagnostics Laboratory, The Hospital for Sick Children
Classification: Benign for Autoinflammatory syndrome. Last evaluated: 2022-05-02. Review status: criteria provided, single submitter. Criteria: ACMG Guidelines, 2015. Collection method: clinical testing. Allele origin: germline. Affected: yes.

Illumina Laboratory Services, Illumina
Classification: Benign for Familial amyloid nephropathy with urticaria AND deafness. Last evaluated: 2018-01-13. Review status: criteria provided, single submitter. Criteria: ICSL Variant Classification Criteria 13 December 2019. Collection method: clinical testing. Allele origin: germline.
Comment: This variant was observed in the ICSL laboratory as part of a predisposition screen in an ostensibly healthy population. It had not been previously curated by ICSL or reported in the Human Gene Mutation Database (HGMD: prior to June 1st, 2018), and was therefore a candidate for classification through an automated scoring system. Utilizing variant allele frequency, disease prevalence and penetrance estimates, and inheritance mode, an automated score was calculated to assess if this variant is too frequent to cause the disease. Based on the score and internal cut-off values, a variant classified as benign is not then subjected to further curation. The score for this variant resulted in a classification of benign for this disease.

Illumina Laboratory Services, Illumina
Classification: Benign for Familial cold autoinflammatory syndrome 1. Last evaluated: 2018-01-13. Review status: criteria provided, single submitter. Criteria: ICSL Variant Classification Criteria 13 December 2019. Collection method: clinical testing. Allele origin: germline.
Comment: the same text as in the submission from Illumina Laboratory Services, Illumina above.

Illumina Laboratory Services, Illumina
Classification: Benign for Chronic infantile neurological, cutaneous and articular syndrome. Last evaluated: 2018-01-13. Review status: criteria provided, single submitter. Criteria: ICSL Variant Classification Criteria 13 December 2019. Collection method: clinical testing. Allele origin: germline.
Comment: the same text as in the submission from Illumina Laboratory Services, Illumina above.

Laboratory for Molecular Medicine, Mass General Brigham Personalized Medicine
Classification: Benign. Last evaluated: 2017-08-23. Review status: criteria provided, single submitter. Criteria: LMM Criteria. Collection method: clinical testing. Allele origin: germline. Observed: 2 variant alleles.
Comment: c.403+7G>A in intron 4 of NLRP3: This variant is not expected to have clinical s ignificance because it does not alter an amino acid residue, is not located with in the splice consensus sequence, and has been identified in 2.46% (163/6614) of Finnish chromosomes by the Exome Aggregation Consortium (ExAC; dbSNP rs192297357).

Center for Pediatric Genomic Medicine, Children's Mercy Hospital and Clinics
Classification: Likely benign. Last evaluated: 2017-08-10. Review status: criteria provided, single submitter. Criteria: ACMG Guidelines, 2015. Collection method: clinical testing. Allele origin: germline.

GeneDx
Classification: Benign. Last evaluated: 2015-03-03. Review status: criteria provided, single submitter. Criteria: GeneDx Variant Classification Process June 2021. Collection method: clinical testing. Allele origin: germline. Affected: yes.

Clinical Genetics DNA and cytogenetics Diagnostics Lab, Erasmus MC, Erasmus Medical Center
Classification: Benign. Review status: no assertion criteria provided. Collection method: clinical testing. Allele origin: germline. Affected: yes. Study: VKGL Data-share Consensus. Not counted in ClinVar's aggregate classification.

Genome Diagnostics Laboratory, University Medical Center Utrecht
Classification: Likely benign. Review status: no assertion criteria provided. Collection method: clinical testing. Allele origin: germline. Affected: yes. Study: VKGL Data-share Consensus. Not counted in ClinVar's aggregate classification.

Laboratory of Diagnostic Genome Analysis, Leiden University Medical Center (LUMC)
Classification: Likely benign. Review status: no assertion criteria provided. Collection method: clinical testing. Allele origin: germline. Affected: yes. Study: VKGL Data-share Consensus. Not counted in ClinVar's aggregate classification.

NM_001243133.2(NLRP3):c.397+7G>A

Gene: NLRP3 (NLR family pyrin domain containing 3; plus strand). Cytogenetic location: 1q44.
Variant type: single nucleotide variant.
Coding change: c.397+7G>A on transcript NM_001243133.2 (MANE Select); 7 bases into the intron after coding-DNA position 397, G replaced by A.
Molecular consequence: intron variant.
Genome position (GRCh38, 1-based): chr1:247,423,356, G>A. VCF-style: chr1-247423356-G-A. GRCh37 (hg19) VCF-style: chr1-247586658-G-A.
Other names: c.403+7G>A (NM_004895.5); c.397+7G>A (NM_001127461.3, NM_001127462.3, NM_183395.3 and 1 more transcripts).
Identifiers: ClinVar variation 296942 (VCV000296942.66), dbSNP rs192297357, ClinGen allele CA1494839.